The following is an entry in ClinVar:

ClinVar aggregate classification (germline): Uncertain significance (1 of 4 stars; one submission).

Conditions:
Inborn genetic diseases. Identifiers: MedGen C0950123, MeSH D030342.

gnomAD v4.1: 1 of 1,612,544 alleles (0.000062%); highest among the groups gnomAD compares: African/African-American, 0.0013%; no homozygotes.

Submission:

Ambry Genetics
Classification: Uncertain significance for Inborn genetic diseases. Last evaluated: 2025-07-15. Review status: criteria provided, single submitter. Criteria: Ambry Variant Classification Scheme 2023. Collection method: clinical testing. Allele origin: germline.
Comment: The p.G295D variant (also known as c.884G>A), located in coding exon 6 of the G6PC3 gene, results from a G to A substitution at nucleotide position 884. The glycine at codon 295 is replaced by aspartic acid, an amino acid with similar properties. This amino acid position is conserved. In addition, the in silico prediction for this alteration is inconclusive. Based on the available evidence, the clinical significance of this variant remains unclear.

NM_138387.4(G6PC3):c.884G>A (p.Gly295Asp)

Gene: G6PC3 (glucose-6-phosphatase catalytic subunit 3; plus strand). Cytogenetic location: 17q21.31.
Variant type: single nucleotide variant.
Coding change: c.884G>A on transcript NM_138387.4 (MANE Select); coding-DNA position 884, G replaced by A.
Protein change: p.Gly295Asp; replaces glycine 295 with aspartic acid.
Molecular consequence: missense variant. On other transcripts: 3 prime UTR variant (1).
Genome position (GRCh38, 1-based): chr17:44,075,886, G>A. VCF-style: chr17-44075886-G-A. GRCh37 (hg19) VCF-style: chr17-42153254-G-A.
Other names: c.*177G>A (NM_001319945.2); c.539G>A, p.Gly180Asp (NM_001384165.1, NM_001384166.1, NM_001384167.1 and 1 more transcripts); short protein forms G295D, G180D.
Identifiers: ClinVar variation 3852389 (VCV003852389.2).